The following is an entry in ClinVar:

NM_033380.3(COL4A5):c.125G>C (p.Gly42Ala)

Gene: COL4A5 (collagen type IV alpha 5 chain; plus strand). Cytogenetic location: Xq22.3.
Variant type: single nucleotide variant.
Coding change: c.125G>C on transcript NM_033380.3 (MANE Select); coding-DNA position 125, G replaced by C.
Protein change: p.Gly42Ala; replaces glycine 42 with alanine.
Molecular consequence: missense variant.
Genome position (GRCh38, 1-based): chrX:108,539,789, G>C. VCF-style: chrX-108539789-G-C. GRCh37 (hg19) VCF-style: chrX-107783019-G-C.
Other names: c.125G>C, p.Gly42Ala (NM_000495.5); short protein forms G42A.
Identifiers: ClinVar variation 4782137 (VCV004782137.1).

ClinVar aggregate classification (germline): Uncertain significance (1 of 4 stars; one submission).

gnomAD v4.1: 1 of 1,205,085 alleles (0.000083%); highest among the groups gnomAD compares: East Asian, 0.003%; no homozygotes.

Submission:

Labcorp Genetics (formerly Invitae), Labcorp
Classification: Uncertain significance. Last evaluated: 2025-08-10. Review status: criteria provided, single submitter. Criteria: Invitae Variant Classification Sherloc (09022015). Collection method: clinical testing. Allele origin: germline.
Comment: This sequence change replaces glycine, which is neutral and non-polar, with alanine, which is neutral and non-polar, at codon 42 of the COL4A5 protein (p.Gly42Ala). This variant is not present in population databases (gnomAD no frequency). This variant has not been reported in the literature in individuals affected with COL4A5-related conditions. Invitae Evidence Modeling of protein sequence and biophysical properties (such as structural, functional, and spatial information, amino acid conservation, physicochemical variation, residue mobility, and thermodynamic stability) indicates that this missense variant is not expected to disrupt COL4A5 protein function with a negative predictive value of 95%. In summary, the available evidence is currently insufficient to determine the role of this variant in disease. Therefore, it has been classified as a Variant of Uncertain Significance.